The following is an entry in ClinVar:

NM_001113378.2(FANCI):c.1420C>A (p.Leu474Ile)

Gene: FANCI (FA complementation group I; plus strand). Cytogenetic location: 15q26.1.
Variant type: single nucleotide variant.
Coding change: c.1420C>A on transcript NM_001113378.2 (MANE Select); coding-DNA position 1420, C replaced by A.
Protein change: p.Leu474Ile; replaces leucine 474 with isoleucine.
Molecular consequence: missense variant.
Genome position (GRCh38, 1-based): chr15:89,281,208, C>A. VCF-style: chr15-89281208-C-A. GRCh37 (hg19) VCF-style: chr15-89824439-C-A.
Other names: c.1141C>A, p.Leu381Ile (NM_001376910.1); c.1420C>A, p.Leu474Ile (NM_001376911.1, NM_018193.3); short protein forms L474I, L381I.
Identifiers: ClinVar variation 526395 (VCV000526395.9), dbSNP rs746777753, ClinGen allele CA7723022.

ClinVar aggregate classification (germline): Uncertain significance. Review status: criteria provided, multiple submitters, no conflicts (2 of 4 stars). 2 submissions from 2 submitters: Uncertain significance (2). Last evaluated 2023-02-24.

Conditions:
Fanconi anemia (FA). Also called: Fanconi's anemia. Identifiers: Orphanet 84, MedGen C0015625, MeSH D005199, MONDO:0019391.

Allele frequency attached by ClinVar (database versions not stated): ExAC 0.00001; gnomAD 0.00001; gnomAD exomes below 0.00001.
gnomAD v4.1: 2 of 1,613,666 alleles (0.00012%); highest among the groups gnomAD compares: Admixed American, 0.0033%; no homozygotes.

Submissions (2):

Labcorp Genetics (formerly Invitae), Labcorp
Classification: Uncertain significance for Fanconi anemia. Last evaluated: 2023-02-24. Review status: criteria provided, single submitter. Criteria: Invitae Variant Classification Sherloc (09022015). Collection method: clinical testing. Allele origin: germline.
Comment: This sequence change replaces leucine, which is neutral and non-polar, with isoleucine, which is neutral and non-polar, at codon 474 of the FANCI protein (p.Leu474Ile). This variant is present in population databases (rs746777753, gnomAD 0.003%). This variant has not been reported in the literature in individuals affected with FANCI-related conditions. ClinVar contains an entry for this variant (Variation ID: 526395). Advanced modeling of protein sequence and biophysical properties (such as structural, functional, and spatial information, amino acid conservation, physicochemical variation, residue mobility, and thermodynamic stability) has been performed at Invitae for this missense variant, however the output from this modeling did not meet the statistical confidence thresholds required to predict the impact of this variant on FANCI protein function. In summary, the available evidence is currently insufficient to determine the role of this variant in disease. Therefore, it has been classified as a Variant of Uncertain Significance.

Sema4
Classification: Uncertain significance for Fanconi anemia. Last evaluated: 2022-01-12. Review status: criteria provided, single submitter. Criteria: Sema4 Curation Guidelines. Collection method: curation. Allele origin: germline.
Comment: The FANCI c.1420C>A (p.L474I) variant has not been reported in the literature to our knowledge. It was observed in 1/251394 chromosomes across all populations, in the large and broad cohorts of the Genome Aggregation Database (PMID: 32461654). The variant has been reported in ClinVar (Variation ID 526395). Functional studies have not been performed, and in silico predictions of the variant's effect on protein function are inconclusive. The evidence is insufficient to meet ACMG/AMP criteria for classifying the variant as benign or pathogenic. Thus, the clinical significance of this variant is currently uncertain.